The following is an entry in ClinVar:

NM_000169.3(GLA):c.1142C>T (p.Ala381Val)

Genes: GLA (galactosidase alpha; minus strand), RPL36A-HNRNPH2 (RPL36A-HNRNPH2 readthrough; plus strand). Cytogenetic location: Xq22.1.
Variant type: single nucleotide variant.
Coding change: c.1142C>T on transcript NM_000169.3 (MANE Select); coding-DNA position 1142, C replaced by T.
Protein change: p.Ala381Val; replaces alanine 381 with valine.
Molecular consequence: missense variant. On other transcripts: non-coding transcript variant (3), intron variant (2).
Genome position (GRCh38, 1-based): chrX:101,397,957, G>A on the plus strand (C>T on the coding strand, the complement: GLA is on the minus strand). VCF-style: chrX-101397957-G-A. GRCh37 (hg19) VCF-style: chrX-100652945-G-A.
Other names: c.1265C>T, p.Ala422Val (NM_001406747.1); c.300+2500G>A (NM_001199973.2); c.177+6135G>A (NM_001199974.2); short protein forms A422V, A381V.
Identifiers: ClinVar variation 2839468 (VCV002839468.3), dbSNP rs2520850848, ClinGen allele CA413920275.
Genomic context (GRCh38, chrX:101,397,957, plus strand): 5'-GAAGTCCATTCATAGAACCCTAGCTTCCTTTTCACAGGGAGGAGCTGTGTGATGAAGCAG[G>A]CAGGATTACAGGCCACTCCTTTACCCAGGGAAGCAACTGCGATGGTATAAGAGCGAGGTC-3'
Protein context (NP_000160.1, residues 371-391): SLGKGVACNP[Ala381Val]CFITQLLPVK

ClinVar aggregate classification (germline): Uncertain significance (1 of 4 stars; one submission).

Conditions:
Fabry disease. Also called: Fabry's disease; ALPHA-GALACTOSIDASE A DEFICIENCY; ANDERSON-FABRY DISEASE; CERAMIDE TRIHEXOSIDASE DEFICIENCY; GLA DEFICIENCY; HEREDITARY DYSTOPIC LIPIDOSIS. Identifiers: Orphanet 324, MedGen C0002986, MONDO:0010526, OMIM 301500, HP:0001071. Disease mechanism: Fabry disease is due to inactivating mutations in the X-linked GLA gene resulting in deficiency of the enzyme Alpha Galactosidase-A., loss of function.

Allele frequency attached by ClinVar (database versions not stated): gnomAD exomes below 0.00001.
gnomAD v4.1: 1 of 1,211,298 alleles (0.000083%); highest among the groups gnomAD compares: Non-Finnish European, 0.00011%; no homozygotes.

Submission:

Labcorp Genetics (formerly Invitae), Labcorp
Classification: Uncertain significance for Fabry disease. Last evaluated: 2023-02-21. Review status: criteria provided, single submitter. Criteria: Invitae Variant Classification Sherloc (09022015). Collection method: clinical testing. Allele origin: germline.
Comment: This sequence change replaces alanine, which is neutral and non-polar, with valine, which is neutral and non-polar, at codon 381 of the GLA protein (p.Ala381Val). This variant is not present in population databases (gnomAD no frequency). This variant has not been reported in the literature in individuals affected with GLA-related conditions. Advanced modeling of protein sequence and biophysical properties (such as structural, functional, and spatial information, amino acid conservation, physicochemical variation, residue mobility, and thermodynamic stability) performed at Invitae indicates that this missense variant is not expected to disrupt GLA protein function. In summary, the available evidence is currently insufficient to determine the role of this variant in disease. Therefore, it has been classified as a Variant of Uncertain Significance.